The following is an entry in ClinVar:

ClinVar aggregate classification (germline): Pathogenic. Review status: reviewed by expert panel (3 of 4 stars). 3 submissions from 3 submitters: Pathogenic (1). 2 of the submissions do not count toward it. Last evaluated 2016-09-08.

Conditions:
Hereditary cancer-predisposing syndrome. Also called: Tumor predisposition; Neoplastic Syndromes, Hereditary; Hereditary Cancer Syndrome; Hereditary neoplastic syndrome. Identifiers: Orphanet 140162, MedGen C0027672, MeSH D009386, MONDO:0015356.
Breast-ovarian cancer, familial, susceptibility to, 1 (BROVCA1). Also called: OVARIAN CANCER, SUSCEPTIBILITY TO; BRCA1 Hereditary Breast and Ovarian Cancer. Identifiers: Orphanet 145, MedGen C2676676, MONDO:0011450, OMIM 604370. Disease mechanism: loss of function.

Submissions (3):

Evidence-based Network for the Interpretation of Germline Mutant Alleles (ENIGMA)
Classification: Pathogenic for Breast-ovarian cancer, familial, susceptibility to, 1. Last evaluated: 2016-09-08. Review status: reviewed by expert panel. Criteria: ENIGMA BRCA1/2 Classification Criteria (2015). Collection method: curation. Allele origin: germline.
Comment: Variant allele predicted to encode a truncated non-functional protein.

Ambry Genetics
Classification: Pathogenic for Hereditary cancer-predisposing syndrome. Last evaluated: 2016-12-09. Review status: criteria provided, single submitter. Criteria: Ambry Variant Classification Scheme 2023. Collection method: clinical testing. Allele origin: germline. Not counted in ClinVar's aggregate classification.
Comment: The c.1276delT pathogenic mutation, located in coding exon 9 of the BRCA1 gene, results from a deletion of one nucleotide at nucleotide position 1276, causing a translational frameshift with a predicted alternate stop codon (p.S426Qfs*4). This alteration is expected to result in loss of function by premature protein truncation or nonsense-mediated mRNA decay. As such, this alteration is interpreted as a disease-causing mutation.

Breast Cancer Information Core (BIC) (BRCA1)
Classification: Pathogenic for Breast-ovarian cancer, familial 1. Last evaluated: 1997-11-14. Review status: no assertion criteria provided. Collection method: clinical testing. Allele origin: germline. Affected: yes. Observed: 1 variant allele. Not counted in ClinVar's aggregate classification.

NM_007294.4(BRCA1):c.1276del (p.Ser426fs)

Gene: BRCA1 (BRCA1 DNA repair associated; minus strand). Cytogenetic location: 17q21.31.
Variant type: Deletion.
Coding change: c.1276del on transcript NM_007294.4 (MANE Select); coding-DNA position 1276, one base deleted (T; older notation c.1276delT).
Protein change: p.Ser426fs; shifts the reading frame from serine 426.
Molecular consequence: frameshift variant. On other transcripts: intron variant (137).
Genome position (GRCh38, 1-based): chr17:43,094,255, A deleted on the plus strand (T on the coding strand, the reverse complement: BRCA1 is on the minus strand); the first of 2 consecutive A bases (chr17:43,094,255-43,094,256); deleting either gives the same sequence. VCF-style (leftmost placement, unchanged base first): chr17-43094254-GA-G. GRCh37 (hg19) VCF-style: chr17-41246271-GA-G.
Other names: 1395delT; c.1276delT (NM_007294.3); c.1273del, p.Ser425fs (NM_001407860.1, NM_001407861.1, NM_001407587.1 and 22 more transcripts); c.1075del, p.Ser359fs (NM_001407862.1); c.1153del, p.Ser385fs (NM_001407863.1, NM_001407919.1, NM_001407937.1 and 19 more transcripts); c.1072del, p.Ser358fs (NM_001407874.1, NM_001407875.1); c.1066del, p.Ser356fs (NM_001407879.1, NM_001407881.1, NM_001407882.1 and 13 more transcripts); c.1063del, p.Ser355fs (NM_001407894.1, NM_001407895.1, NM_001407896.1 and 9 more transcripts); and 42 more; short protein forms S379fs, S426fs, S299fs, S314fs, S358fs, S384fs, S356fs, S359fs.
Identifiers: ClinVar variation 54184 (VCV000054184.7), dbSNP rs80357766, ClinGen allele CA000838.
Genomic context (GRCh38, chr17:43,094,254, plus strand): 5'-CTTTCACTTTTACATATTAAAGCCTCATGAGGATCACTGGCCAGTAAGTCTATTTTCTCT[GA>G]AGAACCAGAATATTCATCTACCTCATTTAGAACGTCCAATACATCAGCTACTTTGGCATT-3'